The following is an entry in ClinVar:

ClinVar aggregate classification (germline): Conflicting classifications of pathogenicity. Review status: criteria provided, conflicting classifications (1 of 4 stars). 4 submissions from 4 submitters: Uncertain significance (3); Likely benign (1). Last evaluated 2026-01-28.

Conditions:
Hyperinsulinemic hypoglycemia, familial, 1 (HHF1). Also called: Persistent hyperinsulinemic hypoglycemia of infancy; HYPERINSULINISM, FAMILIAL, WITH PANCREATIC NESIDIOBLASTOSIS; HYPOGLYCEMIA, HYPERINSULINEMIC, OF INFANCY; NESIDIOBLASTOSIS OF PANCREAS; Persistent Hyperinsulinemia Hypoglycemia of Infancy. Identifiers: Orphanet 276575, Orphanet 276598, MedGen C2931832, MONDO:0009734, OMIM 256450.
Leucine-induced hypoglycemia (LIH). Also called: LEUCINE-SENSITIVE HYPOGLYCEMIA OF INFANCY. Identifiers: MedGen C0271714, MONDO:0009415, OMIM 240800.
Diabetes mellitus, permanent neonatal 3. Also called: ABCC8-Related Permanent Neonatal Diabetes Mellitus. Identifiers: MedGen C5394303, MONDO:0030088, OMIM 618857.
Diabetes mellitus, transient neonatal, 2 (TNDM2). Identifiers: Orphanet 99886, MedGen C1835887, MONDO:0012480, OMIM 610374. Disease mechanism: loss of function.
Type 2 diabetes mellitus. Also called: Type II diabetes mellitus. Identifiers: MedGen C0011860, MeSH D003924, MONDO:0005148, OMIM 125853, HP:0005978.
ABCC8-related disorder.

gnomAD v4.1: 31 of 1,613,348 alleles (0.0019%); highest among the groups gnomAD compares: Non-Finnish European, 0.0026%; no homozygotes.

Submissions (4):

Labcorp Genetics (formerly Invitae), Labcorp
Classification: Likely benign. Last evaluated: 2026-01-28. Review status: criteria provided, single submitter. Criteria: Invitae Variant Classification Sherloc (09022015). Collection method: clinical testing. Allele origin: germline.

PreventionGenetics, part of Exact Sciences
Classification: Uncertain significance for ABCC8-related condition. Last evaluated: 2025-06-09. Review status: criteria provided, single submitter. Criteria: ACMG Guidelines, 2015. Collection method: clinical testing. Allele origin: germline.
Comment: The ABCC8 c.3988+9C>G variant is predicted to interfere with splicing. To our knowledge, this variant has not been reported in the literature. This variant is reported in 0.0054% of alleles in individuals of European (Non-Finnish) descent in gnomAD. At this time, the clinical significance of this variant is uncertain due to the absence of conclusive functional and genetic evidence.

Blueprint Genetics
Classification: Uncertain significance. Last evaluated: 2024-09-07. Review status: criteria provided, single submitter. Criteria: ACMG Guidelines, 2015. Collection method: clinical testing. Allele origin: germline.

Fulgent Genetics
Classification: Uncertain significance for Type 2 diabetes mellitus; Leucine-induced hypoglycemia; Hyperinsulinemic hypoglycemia, familial, 1; Diabetes mellitus, transient neonatal, 2; Diabetes mellitus, permanent neonatal 3. Last evaluated: 2024-02-07. Review status: criteria provided, single submitter. Criteria: ACMG Guidelines, 2015. Collection method: clinical testing. Allele origin: germline.

NM_000352.6(ABCC8):c.3988+9C>G

Gene: ABCC8 (ATP binding cassette subfamily C member 8; minus strand). Cytogenetic location: 11p15.1.
Variant type: single nucleotide variant.
Coding change: c.3988+9C>G on transcript NM_000352.6 (MANE Select); 9 bases into the intron after coding-DNA position 3988, C replaced by G.
Molecular consequence: intron variant. On other transcripts: non-coding transcript variant (1).
Genome position (GRCh38, 1-based): chr11:17,397,184, G>C on the plus strand (C>G on the coding strand, the complement: ABCC8 is on the minus strand). VCF-style: chr11-17397184-G-C. GRCh37 (hg19) VCF-style: chr11-17418731-G-C.
Other names: c.3985+9C>G (NM_001351297.2); c.3988+9C>G (NM_001351296.2); c.4054+9C>G (NM_001351295.2); c.3991+9C>G (NM_001287174.3).
Identifiers: ClinVar variation 3352624 (VCV003352624.5).